The following is an entry in ClinVar:

ClinVar aggregate classification (germline): Uncertain significance (1 of 4 stars; one submission).

Conditions:
Cardiovascular phenotype. Identifiers: MedGen CN230736.
Hereditary cancer-predisposing syndrome. Also called: Tumor predisposition; Neoplastic Syndromes, Hereditary; Hereditary Cancer Syndrome; Hereditary neoplastic syndrome. Identifiers: Orphanet 140162, MedGen C0027672, MeSH D009386, MONDO:0015356.

Submission:

Ambry Genetics
Classification: Uncertain significance for Cardiovascular phenotype; Hereditary cancer-predisposing syndrome. Last evaluated: 2025-02-19. Review status: criteria provided, single submitter. Criteria: Ambry Variant Classification Scheme 2023. Collection method: clinical testing. Allele origin: germline.
Comment: The p.D1122V variant (also known as c.3365A>T), located in coding exon 26 of the NF1 gene, results from an A to T substitution at nucleotide position 3365. The aspartic acid at codon 1122 is replaced by valine, an amino acid with highly dissimilar properties. This amino acid position is conserved. In addition, this alteration is predicted to be tolerated by in silico analysis. Based on the available evidence, the clinical significance of this variant remains unclear.

NM_001042492.3(NF1):c.3365A>T (p.Asp1122Val)

Gene: NF1 (neurofibromin 1; plus strand). Cytogenetic location: 17q11.2.
Variant type: single nucleotide variant.
Coding change: c.3365A>T on transcript NM_001042492.3 (MANE Select); coding-DNA position 3365, A replaced by T.
Protein change: p.Asp1122Val; replaces aspartic acid 1122 with valine.
Molecular consequence: missense variant.
Genome position (GRCh38, 1-based): chr17:31,232,750, A>T. VCF-style: chr17-31232750-A-T. GRCh37 (hg19) VCF-style: chr17-29559768-A-T.
Other names: c.3365A>T, p.Asp1122Val (NM_000267.4); short protein forms D1122V.
Identifiers: ClinVar variation 3879125 (VCV003879125.1).